The following is an entry in ClinVar:

ClinVar aggregate classification (germline): Likely pathogenic (1 of 4 stars; one submission).

Conditions:
Familial focal epilepsy with variable foci (FPEVF). Identifiers: Orphanet 98820, MedGen C1858477, MONDO:0020310.

Submission:

Labcorp Genetics (formerly Invitae), Labcorp
Classification: Likely pathogenic for Familial focal epilepsy with variable foci. Last evaluated: 2023-03-01. Review status: criteria provided, single submitter. Criteria: Invitae Variant Classification Sherloc (09022015). Collection method: clinical testing. Allele origin: unknown.
Comment: This variant results in a copy number gain of the genomic region encompassing exon(s) 5-20 of the DEPDC5 gene. While the exact position of this variant cannot be determined from the data, sub-genic copy number gains are generally in tandem (PMID: 25640679). This variant is predicted to be out-of-frame, and may result in an absent or disrupted protein product. Loss-of-function variants in DEPDC5 are known to be pathogenic (PMID: 23542697, 23542701). This variant has not been reported in the literature in individuals affected with DEPDC5-related conditions. In summary, the currently available evidence indicates that the variant is pathogenic, but additional data are needed to prove that conclusively. Therefore, this variant has been classified as Likely Pathogenic.

Literature cited by the submitters: PubMed 25640679; PubMed 23542697; PubMed 23542701.

NC_000022.10:g.(?_32160941)_(32206647_?)dup

Gene: DEPDC5 (DEP domain containing 5, GATOR1 subcomplex subunit; plus strand). Cytogenetic location: 22q12.2-12.3.
Variant type: Duplication.
Identifiers: ClinVar variation 3247907 (VCV003247907.1).